The following is an entry in ClinVar:

NM_181332.3(NLGN4X):c.511T>C (p.Tyr171His)

Gene: NLGN4X (neuroligin 4 X-linked; minus strand). Cytogenetic location: Xp22.32.
Variant type: single nucleotide variant.
Coding change: c.511T>C on transcript NM_181332.3 (MANE Select); coding-DNA position 511, T replaced by C.
Protein change: p.Tyr171His; replaces tyrosine 171 with histidine.
Molecular consequence: missense variant.
Genome position (GRCh38, 1-based): chrX:6,029,394, A>G on the plus strand (T>C on the coding strand, the complement: NLGN4X is on the minus strand). VCF-style: chrX-6029394-A-G. GRCh37 (hg19) VCF-style: chrX-5947435-A-G.
Other names: c.511T>C, p.Tyr171His (NM_001282145.2, NM_001282146.2, NM_020742.4); short protein forms Y171H.
Identifiers: ClinVar variation 1310322 (VCV001310322.2), dbSNP rs2147219440, ClinGen allele CA412014529.

ClinVar aggregate classification (germline): Uncertain significance (1 of 4 stars; one submission).

Submission:

GeneDx
Classification: Uncertain significance. Last evaluated: 2020-01-06. Review status: criteria provided, single submitter. Criteria: GeneDx Variant Classification Process June 2021. Collection method: clinical testing. Allele origin: germline. Affected: yes.
Comment: Not observed in large population cohorts (Lek et al., 2016); In silico analysis, which includes protein predictors and evolutionary conservation, supports a deleterious effect; Has not been previously published as pathogenic or benign to our knowledge